The following is an entry in ClinVar:

NM_014727.3(KMT2B):c.3886-15G>A

Gene: KMT2B (lysine methyltransferase 2B; plus strand). Cytogenetic location: 19q13.12.
Variant type: single nucleotide variant.
Coding change: c.3886-15G>A on transcript NM_014727.3 (MANE Select); 15 bases into the intron before coding-DNA position 3886, G replaced by A.
Molecular consequence: intron variant.
Genome position (GRCh38, 1-based): chr19:35,726,221, G>A. VCF-style: chr19-35726221-G-A. GRCh37 (hg19) VCF-style: chr19-36217122-G-A.
Identifiers: ClinVar variation 1989697 (VCV001989697.5), dbSNP rs144544479, ClinGen allele CA9384917.

ClinVar aggregate classification (germline): Benign. Review status: criteria provided, multiple submitters, no conflicts (2 of 4 stars). 2 submissions from 2 submitters: Benign (2). Last evaluated 2025-12-22.

Allele frequency attached by ClinVar (database versions not stated): ExAC 0.00013; ESP Exome Variant Server 0.00040; gnomAD 0.00045; TOPMed 0.00046; 1000 Genomes Project 30x 0.00047; 1000 Genomes Project 0.00060.
gnomAD v4.1: 149 of 1,604,624 alleles (0.0093%); highest among the groups gnomAD compares: African/African-American, 0.15%; 1 homozygote.

Submissions (2):

Labcorp Genetics (formerly Invitae), Labcorp
Classification: Benign. Last evaluated: 2025-12-22. Review status: criteria provided, single submitter. Criteria: Invitae Variant Classification Sherloc (09022015). Collection method: clinical testing. Allele origin: germline.

Women's Health and Genetics/Laboratory Corporation of America, LabCorp
Classification: Benign. Last evaluated: 2024-09-12. Review status: criteria provided, single submitter. Criteria: LabCorp Variant Classification Summary - May 2015. Collection method: clinical testing. Allele origin: germline.
Comment: Variant summary: KMT2B c.3886-15G>A alters a non-conserved nucleotide located at a position not widely known to affect splicing. Consensus agreement among computation tools predict no significant impact on normal splicing. However, these predictions have yet to be confirmed by functional studies. The variant allele was found at a frequency of 7.7e-05 in 247924 control chromosomes, predominantly at a frequency of 0.001 within the African or African-American subpopulation in the gnomAD database. The observed variant frequency within African or African-American control individuals in the gnomAD database exceeds the estimated maximal expected allele frequency for a pathogenic variant in KMT2B causing Dystonia 28, Childhood-Onset phenotype. To our knowledge, no occurrence of c.3886-15G>A in individuals affected with Dystonia 28, Childhood-Onset and no experimental evidence demonstrating its impact on protein function have been reported. ClinVar contains an entry for this variant (Variation ID: 1989697). Based on the evidence outlined above, the variant was classified as benign.